The following is an entry in ClinVar:

ClinVar aggregate classification (germline): Uncertain significance (1 of 4 stars; one submission).

Conditions:
Bardet-Biedl syndrome (BBS). Identifiers: Orphanet 110, MedGen C0752166, MONDO:0015229.

gnomAD v4.1: 1 of 1,614,248 alleles (0.000062%); highest among the groups gnomAD compares: Non-Finnish European, 0.000085%; no homozygotes.

Submission:

Labcorp Genetics (formerly Invitae), Labcorp
Classification: Uncertain significance for Bardet-Biedl syndrome. Last evaluated: 2022-08-16. Review status: criteria provided, single submitter. Criteria: Invitae Variant Classification Sherloc (09022015). Collection method: clinical testing. Allele origin: germline.
Comment: This variant has not been reported in the literature in individuals affected with BBS1-related conditions. This sequence change replaces methionine, which is neutral and non-polar, with valine, which is neutral and non-polar, at codon 423 of the BBS1 protein (p.Met423Val). This variant is not present in population databases (gnomAD no frequency). Algorithms developed to predict the effect of missense changes on protein structure and function output the following: SIFT: "Tolerated"; PolyPhen-2: "Benign"; Align-GVGD: "Class C0". The valine amino acid residue is found in multiple mammalian species, which suggests that this missense change does not adversely affect protein function. In summary, the available evidence is currently insufficient to determine the role of this variant in disease. Therefore, it has been classified as a Variant of Uncertain Significance.

NM_024649.5(BBS1):c.1267A>G (p.Met423Val)

Genes: BBS1 (Bardet-Biedl syndrome 1; plus strand), ZDHHC24 (zDHHC palmitoyltransferase 24; minus strand). Cytogenetic location: 11q13.2.
Variant type: single nucleotide variant.
Coding change: c.1267A>G on transcript NM_024649.5 (MANE Select); coding-DNA position 1267, A replaced by G.
Protein change: p.Met423Val; replaces methionine 423 with valine.
Molecular consequence: missense variant. On other transcripts: intron variant (1).
Genome position (GRCh38, 1-based): chr11:66,526,735, A>G. VCF-style: chr11-66526735-A-G. GRCh37 (hg19) VCF-style: chr11-66294206-A-G.
Other names: c.*21+201T>C (NM_001348571.2); short protein forms M423V.
Identifiers: ClinVar variation 2121171 (VCV002121171.4), dbSNP rs2495801458, ClinGen allele CA381422727.
Genomic context (GRCh38, chr11:66,526,735, plus strand): 5'-AAGCGTACAGCAGTGTTTGTAGAGGGAGGAAGTGAGGTGGGTCCCCCACCAGCCCAGGCC[A>G]TGAAACTCAATGTGCCCCGAAAGACCCGGCTTTACGTGGATCAGACACTGCGAGAGCGGG-3'
Protein context (NP_078925.3, residues 413-433): SEVGPPPAQA[Met423Val]KLNVPRKTRL